The following is an entry in ClinVar:

ClinVar aggregate classification (germline): Pathogenic (1 of 4 stars; one submission).

Conditions:
Autosomal recessive nonsyndromic hearing loss 12. Also called: DEAFNESS, AUTOSOMAL RECESSIVE 12. Identifiers: Orphanet 90636, MedGen C1832394, MONDO:0011067, OMIM 601386.

gnomAD v4.1: 1 of 1,613,552 alleles (0.000062%); highest among the groups gnomAD compares: East Asian, 0.0022%; no homozygotes.

Submission:

Institute of Rare Diseases, West China Hospital, Sichuan University
Classification: Pathogenic for Autosomal recessive nonsyndromic hearing loss 12. Last evaluated: 2025-01-09. Review status: criteria provided, single submitter. Criteria: ClinGen HL ACMG Specifications v1. Collection method: research. Allele origin: germline. Affected: yes.
Comment: PM3_VeryStrong;PM2_Supporting;PP3

NM_022124.6(CDH23):c.6240G>T (p.Glu2080Asp)

Gene: CDH23 (cadherin related 23; plus strand). Cytogenetic location: 10q22.1.
Variant type: single nucleotide variant.
Coding change: c.6240G>T on transcript NM_022124.6 (MANE Select); coding-DNA position 6240, G replaced by T.
Protein change: p.Glu2080Asp; replaces glutamic acid 2080 with aspartic acid.
Molecular consequence: missense variant.
Genome position (GRCh38, 1-based): chr10:71,791,322, G>T. VCF-style: chr10-71791322-G-T. GRCh37 (hg19) VCF-style: chr10-73551079-G-T.
Other names: short protein forms E2080D.
Identifiers: ClinVar variation 3601471 (VCV003601471.1).